The following is an entry in ClinVar:

NM_000517.6(HBA2):c.356C>T (p.Thr119Ile)

Genes: HBA2 (hemoglobin subunit alpha 2; plus strand), LOC106804612 (hemoglobin subunit alpha 2 recombination region; plus strand). Cytogenetic location: 16p13.3.
Variant type: single nucleotide variant.
Coding change: c.356C>T on transcript NM_000517.6 (MANE Select); coding-DNA position 356, C replaced by T.
Protein change: p.Thr119Ile; replaces threonine 119 with isoleucine.
Molecular consequence: missense variant.
Genome position (GRCh38, 1-based): chr16:173,527, C>T. VCF-style: chr16-173527-C-T. GRCh37 (hg19) VCF-style: chr16-223526-C-T.
Other names: short protein forms T119I.
Identifiers: ClinVar variation 3336590 (VCV003336590.1).

ClinVar aggregate classification (germline): Uncertain significance (1 of 4 stars; one submission).

gnomAD v4.1: 2 of 1,607,074 alleles (0.00012%); highest among the groups gnomAD compares: African/African-American, 0.0014%; no homozygotes.

Submission:

Women's Health and Genetics/Laboratory Corporation of America, LabCorp
Classification: Uncertain significance. Last evaluated: 2024-05-15. Review status: criteria provided, single submitter. Criteria: LabCorp Variant Classification Summary - May 2015. Collection method: clinical testing. Allele origin: germline.
Comment: Variant summary: HBA2 c.356C>T (p.Thr119Ile) results in a non-conservative amino acid change in the encoded protein sequence. Four of five in-silico tools predict a damaging effect of the variant on protein function. The variant allele was found at a frequency of 4e-06 in 247674 control chromosomes (gnomAD). The variant c.356C>T (aka. Hb Cervantes) has been reported in the literature in a family with three heterozygous individuals, who had mild hypochromia and microcytosis (de la Fuente-Gonzalo_2015), which is consistent with alpha thalassemia trait (alpha thalassemia minor). Authors of this study proposed that the variant disrupts the interaction with the alpha chain hemoglobin-stabilizing protein (AHSP; a chaperone that binds to alpha globin chains to prevent their precipitation), resulting in a hyper-unstable, thalassemic structural variant. The variant was also reported in a study aimed at investigating the carrier rate of alpha- and beta-globin gene variants, however no phenotype details were provided (Xi_2023). To our knowledge, no experimental evidence demonstrating an impact on protein function has been reported. However, a recent study predicted the variant to result in unstable/thalassemic variant (Scheps_2020). In addition, a neighboring missense variant (Pro120Ser) is classified as (likely) pathogenic in ClinVar, citing literature for a heterozygous individual with hypochromia and microcytosis, and functional studies demonstrating impaired binding to AHSP and increased proteolytic degradation [Variation ID 801174]. These data indicate that the variant may be associated with disease. The following publications have been ascertained in the context of this evaluation (PMID: 25943047, 36861191, 31553106). No submitters have cited clinical-significance assessments for this variant to ClinVar. Based on the evidence outlined above, the variant was classified as VUS-possibly pathogenic.

Literature cited by the submitters: PubMed 31553106; PubMed 36861191; PubMed 25943047.